The following is an entry in ClinVar:

NM_000059.4(BRCA2):c.2676C>A (p.Phe892Leu)

Gene: BRCA2 (BRCA2 DNA repair associated; plus strand). Cytogenetic location: 13q13.1.
Variant type: single nucleotide variant.
Coding change: c.2676C>A on transcript NM_000059.4 (MANE Select); coding-DNA position 2676, C replaced by A.
Protein change: p.Phe892Leu; replaces phenylalanine 892 with leucine.
Molecular consequence: missense variant.
Genome position (GRCh38, 1-based): chr13:32,337,031, C>A. VCF-style: chr13-32337031-C-A. GRCh37 (hg19) VCF-style: chr13-32911168-C-A.
Other names: F892L; 2904C>A; c.2676C>A, p.Phe892Leu (NM_001406719.1, NM_001406720.1).
Identifiers: ClinVar variation 91783 (VCV000091783.7), dbSNP rs398122751, ClinGen allele CA016006.

ClinVar aggregate classification (germline): Conflicting classifications of pathogenicity. Review status: criteria provided, conflicting classifications (1 of 4 stars). 4 submissions from 4 submitters: Uncertain significance (2); Likely benign (1). 1 of the submissions does not count toward it. Last evaluated 2023-05-16.

Conditions:
Hereditary cancer-predisposing syndrome. Also called: Tumor predisposition; Hereditary Cancer Syndrome; Neoplastic Syndromes, Hereditary; Hereditary neoplastic syndrome. Identifiers: Orphanet 140162, MedGen C0027672, MeSH D009386, MONDO:0015356.
Breast-ovarian cancer, familial, susceptibility to, 2 (BROVCA2). Also called: BRCA2 Hereditary Breast and Ovarian Cancer. Identifiers: Orphanet 145, MedGen C2675520, MONDO:0012933, OMIM 612555. Disease mechanism: loss of function.

Allele frequency attached by ClinVar (database versions not stated): gnomAD exomes below 0.00001; ExAC 0.00001.
gnomAD v4.1: 2 of 1,597,034 alleles (0.00013%); highest among the groups gnomAD compares: South Asian, 0.0023%; no homozygotes.

Submissions (4):

All of Us Research Program, National Institutes of Health
Classification: Uncertain significance for Breast-ovarian cancer, familial, susceptibility to, 2. Last evaluated: 2023-05-16. Review status: criteria provided, single submitter. Criteria: ACMG Guidelines, 2015. Collection method: clinical testing. Allele origin: germline. Inheritance: Autosomal dominant inheritance. Observed: 1 variant allele, 1 heterozygote.
Comment: This missense variant replaces phenylalanine with leucine at codon 892 of the BRCA2 protein. Computational prediction suggests that this variant may not impact protein structure and function (internally defined REVEL score threshold <= 0.5, PMID: 27666373). To our knowledge, functional studies have not been reported for this variant. This variant has not been reported in individuals affected with BRCA2-related disorders in the literature. This variant has been identified in 1/237648 chromosomes in the general population by the Genome Aggregation Database (gnomAD). The available evidence is insufficient to determine the role of this variant in disease conclusively. Therefore, this variant is classified as a Variant of Uncertain Significance.

This study involves interpretation of variants in research participants for the purpose of population health screening. Participant phenotype was not available at the time of variant classification. Additional details can be found in publication PMID: 35346344, PMCID: PMC8962531

University of Washington Department of Laboratory Medicine, University of Washington
Classification: Likely benign for Hereditary cancer-predisposing syndrome. Last evaluated: 2023-03-23. Review status: criteria provided, single submitter. Criteria: Dines et al. (Genet Med. 2020). Collection method: curation. Allele origin: germline.
Comment: Missense variant in a coldspot region where missense variants are very unlikely to be pathogenic (PMID:31911673).

BRCA2 exon 11 coldspot. Reclassification based on statistical prior probability.

Ambry Genetics
Classification: Uncertain significance for Hereditary cancer-predisposing syndrome. Last evaluated: 2020-09-02. Review status: criteria provided, single submitter. Criteria: Ambry Variant Classification Scheme 2023. Collection method: clinical testing. Allele origin: germline.
Comment: The p.F892L variant (also known as c.2676C>A), located in coding exon 10 of the BRCA2 gene, results from a C to A substitution at nucleotide position 2676. The phenylalanine at codon 892 is replaced by leucine, an amino acid with highly similar properties. This amino acid position is well conserved in available vertebrate species. In addition, the in silico prediction for this alteration is inconclusive. Since supporting evidence is limited at this time, the clinical significance of this alteration remains unclear.

Sharing Clinical Reports Project (SCRP)
Classification: Uncertain significance for Breast-ovarian cancer, familial 2. Last evaluated: 2010-12-23. Review status: no assertion criteria provided. Collection method: clinical testing. Allele origin: germline. Not counted in ClinVar's aggregate classification.